The following is an entry in ClinVar:

NM_001267550.2(TTN):c.100970A>G (p.Asn33657Ser)

Genes: TTN (titin; minus strand), TTN-AS1 (TTN antisense RNA 1; plus strand). Cytogenetic location: 2q31.2.
Variant type: single nucleotide variant.
Coding change: c.100970A>G on transcript NM_001267550.2 (MANE Select); coding-DNA position 100970, A replaced by G.
Protein change: p.Asn33657Ser; replaces asparagine 33657 with serine.
Molecular consequence: missense variant.
Genome position (GRCh38, 1-based): chr2:178,535,645, T>C on the plus strand (A>G on the coding strand, the complement: TTN is on the minus strand). VCF-style: chr2-178535645-T-C. GRCh37 (hg19) VCF-style: chr2-179400372-T-C.
Other names: c.74150A>G, p.Asn24717Ser (NM_133432.3); c.74351A>G, p.Asn24784Ser (NM_133437.4); c.96047A>G, p.Asn32016Ser (NM_001256850.1); c.73775A>G, p.Asn24592Ser (NM_003319.4); c.93266A>G, p.Asn31089Ser (NM_133378.4); short protein forms N32016S, N33657S, N24784S, N24592S, N24717S, N31089S.
Identifiers: ClinVar variation 626644 (VCV000626644.6), dbSNP rs769340667, ClinGen allele CA1985954.

ClinVar aggregate classification (germline): Uncertain significance. Review status: criteria provided, multiple submitters, no conflicts (2 of 4 stars). 2 submissions from 2 submitters: Uncertain significance (2). Last evaluated 2023-06-13.

Conditions:
Cardiomyopathy (CMYO). Also called: Cardiomyopathies. Identifiers: Orphanet 167848, MedGen C0878544, MONDO:0004994, HP:0001638. Inheritance: Various modes of inheritance.
Autosomal recessive limb-girdle muscular dystrophy type 2J (LGMDR10). Also called: Limb-girdle muscular dystrophy, type 2J; MUSCULAR DYSTROPHY, LIMB-GIRDLE, AUTOSOMAL RECESSIVE 10. Identifiers: Orphanet 140922, MedGen C1837342, MONDO:0012127, OMIM 608807.
Dilated cardiomyopathy 1G (CMD1G). Identifiers: Orphanet 154, MedGen C1858763, MONDO:0011400, OMIM 604145.

Allele frequency attached by ClinVar (database versions not stated): TOPMed below 0.00001; gnomAD exomes 0.00001.
gnomAD v4.1: 9 of 1,613,790 alleles (0.00056%); highest among the groups gnomAD compares: Admixed American, 0.005%; no homozygotes.

Submissions (2):

Labcorp Genetics (formerly Invitae), Labcorp
Classification: Uncertain significance for Dilated cardiomyopathy 1G; Autosomal recessive limb-girdle muscular dystrophy type 2J. Last evaluated: 2023-06-13. Review status: criteria provided, single submitter. Criteria: Invitae Variant Classification Sherloc (09022015). Collection method: clinical testing. Allele origin: germline.
Comment: This sequence change replaces asparagine, which is neutral and polar, with serine, which is neutral and polar, at codon 33657 of the TTN protein (p.Asn33657Ser). This variant is present in population databases (rs769340667, gnomAD 0.009%). This variant has not been reported in the literature in individuals affected with TTN-related conditions. ClinVar contains an entry for this variant (Variation ID: 626644). Algorithms developed to predict the effect of missense changes on protein structure and function output the following: SIFT: "Not Available"; PolyPhen-2: "Not Available"; Align-GVGD: "Not Available". The serine amino acid residue is found in multiple mammalian species, which suggests that this missense change does not adversely affect protein function. This variant is located in the M band of TTN (PMID: 25589632). Variants in this region may be relevant for neuromuscular disorders, but have not been definitively shown to cause cardiomyopathy (PMID: 23975875). In summary, the available evidence is currently insufficient to determine the role of this variant in disease. Therefore, it has been classified as a Variant of Uncertain Significance.

CHEO Genetics Diagnostic Laboratory, Children's Hospital of Eastern Ontario
Classification: Uncertain significance for Cardiomyopathy. Last evaluated: 2016-03-08. Review status: criteria provided, single submitter. Criteria: ACMG Guidelines, 2015. Collection method: clinical testing. Allele origin: germline. Study: Canadian Open Genetics Repository.

Literature cited by the submitters: PubMed 25589632 (cited by Labcorp Genetics (formerly Invitae), Labcorp); PubMed 23975875 (cited by Labcorp Genetics (formerly Invitae), Labcorp).